The following is an entry in ClinVar:

NM_000368.5(TSC1):c.3092G>A (p.Gly1031Glu)

Gene: TSC1 (TSC complex subunit 1; minus strand). Cytogenetic location: 9q34.13.
Variant type: single nucleotide variant.
Coding change: c.3092G>A on transcript NM_000368.5 (MANE Select); coding-DNA position 3092, G replaced by A.
Protein change: p.Gly1031Glu; replaces glycine 1031 with glutamic acid.
Molecular consequence: missense variant.
Genome position (GRCh38, 1-based): chr9:132,896,638, C>T on the plus strand (G>A on the coding strand, the complement: TSC1 is on the minus strand). VCF-style: chr9-132896638-C-T. GRCh37 (hg19) VCF-style: chr9-135772025-C-T.
Other names: c.3089G>A, p.Gly1030Glu (NM_001162426.2); c.2939G>A, p.Gly980Glu (NM_001162427.2); c.2729G>A, p.Gly910Glu (NM_001362177.2); short protein forms G1030E, G1031E, G910E, G980E.
Identifiers: ClinVar variation 1007212 (VCV001007212.11), dbSNP rs1845079425, ClinGen allele CA375367490.

ClinVar aggregate classification (germline): Uncertain significance. Review status: criteria provided, multiple submitters, no conflicts (2 of 4 stars). 2 submissions from 2 submitters: Uncertain significance (2). Last evaluated 2025-02-17.

Conditions:
Hereditary cancer-predisposing syndrome. Also called: Hereditary neoplastic syndrome; Neoplastic Syndromes, Hereditary; Tumor predisposition; Hereditary Cancer Syndrome. Identifiers: Orphanet 140162, MedGen C0027672, MeSH D009386, MONDO:0015356.
Tuberous sclerosis 1 (TSC1). Identifiers: Orphanet 805, MedGen C1854465, MONDO:0008612, OMIM 191100.

Allele frequency attached by ClinVar (database versions not stated): gnomAD 0.00001; gnomAD exomes 0.00001; TOPMed 0.00001.
gnomAD v4.1: 13 of 1,613,774 alleles (0.00081%); highest among the groups gnomAD compares: Admixed American, 0.0017%; no homozygotes.

Submissions (2):

Labcorp Genetics (formerly Invitae), Labcorp
Classification: Uncertain significance for Tuberous sclerosis 1. Last evaluated: 2025-02-17. Review status: criteria provided, single submitter. Criteria: Invitae Variant Classification Sherloc (09022015). Collection method: clinical testing. Allele origin: germline.
Comment: This sequence change replaces glycine, which is neutral and non-polar, with glutamic acid, which is acidic and polar, at codon 1031 of the TSC1 protein (p.Gly1031Glu). This variant is not present in population databases (gnomAD no frequency). This variant has not been reported in the literature in individuals affected with TSC1-related conditions. ClinVar contains an entry for this variant (Variation ID: 1007212). Invitae Evidence Modeling of protein sequence and biophysical properties (such as structural, functional, and spatial information, amino acid conservation, physicochemical variation, residue mobility, and thermodynamic stability) indicates that this missense variant is not expected to disrupt TSC1 protein function with a negative predictive value of 95%. In summary, the available evidence is currently insufficient to determine the role of this variant in disease. Therefore, it has been classified as a Variant of Uncertain Significance.

Ambry Genetics
Classification: Uncertain significance for Hereditary cancer-predisposing syndrome. Last evaluated: 2024-03-05. Review status: criteria provided, single submitter. Criteria: Ambry Variant Classification Scheme 2023. Collection method: clinical testing. Allele origin: germline.
Comment: The p.G1031E variant (also known as c.3092G>A), located in coding exon 21 of the TSC1 gene, results from a G to A substitution at nucleotide position 3092. The glycine at codon 1031 is replaced by glutamic acid, an amino acid with similar properties. This amino acid position is well conserved in available vertebrate species. In addition, the in silico prediction for this alteration is inconclusive. Since supporting evidence is limited at this time, the clinical significance of this alteration remains unclear.